The following is an entry in ClinVar:

NM_032444.4(SLX4):c.1573C>T (p.Arg525Cys)

Gene: SLX4 (SLX4 structure-specific endonuclease subunit; minus strand). Cytogenetic location: 16p13.3.
Variant type: single nucleotide variant.
Coding change: c.1573C>T on transcript NM_032444.4 (MANE Select); coding-DNA position 1573, C replaced by T.
Protein change: p.Arg525Cys; replaces arginine 525 with cysteine.
Molecular consequence: missense variant.
Genome position (GRCh38, 1-based): chr16:3,597,489, G>A on the plus strand (C>T on the coding strand, the complement: SLX4 is on the minus strand). VCF-style: chr16-3597489-G-A. GRCh37 (hg19) VCF-style: chr16-3647490-G-A.
Other names: c.1573C>T (NM_032444.2); short protein forms R525C.
Identifiers: ClinVar variation 1397207 (VCV001397207.4), dbSNP rs143831403, ClinGen allele CA7866487.
Genomic context (GRCh38, chr16:3,597,489, plus strand): 5'-AGTCCTCCATGGCCCAGGCCCCAGTCAGTGCGCTGCCCTCCCACAGAAAGCTCTGCTTGC[G>A]TTCAGGTGGAGGAGGACACTGGCCCGCTCTTTCCCACCCTTCCTTTAAAATCCTGCTGGC-3'
Protein context (NP_115820.2, residues 515-535): RAGQCPPPPE[Arg525Cys]KQSFLWEGSA

ClinVar aggregate classification (germline): Conflicting classifications of pathogenicity. Review status: criteria provided, conflicting classifications (1 of 4 stars). 2 submissions from 2 submitters: Uncertain significance (1); Likely benign (1). Last evaluated 2022-03-29.

Conditions:
Fanconi anemia (FA). Also called: Fanconi's anemia. Identifiers: Orphanet 84, MedGen C0015625, MeSH D005199, MONDO:0019391.
Inborn genetic diseases. Identifiers: MedGen C0950123, MeSH D030342.

Allele frequency attached by ClinVar (database versions not stated): gnomAD 0.00003; TOPMed 0.00004; ESP Exome Variant Server 0.00008; 1000 Genomes Project 30x 0.00016; 1000 Genomes Project 0.00020.
gnomAD v4.1: 29 of 1,614,042 alleles (0.0018%); highest among the groups gnomAD compares: Admixed American, 0.01%; no homozygotes.

Submissions (2):

Ambry Genetics
Classification: Likely benign for Inborn genetic diseases. Last evaluated: 2022-03-29. Review status: criteria provided, single submitter. Criteria: Ambry Variant Classification Scheme 2023. Collection method: clinical testing. Allele origin: germline.

Labcorp Genetics (formerly Invitae), Labcorp
Classification: Uncertain significance for Fanconi anemia. Last evaluated: 2022-01-17. Review status: criteria provided, single submitter. Criteria: Invitae Variant Classification Sherloc (09022015). Collection method: clinical testing. Allele origin: germline.
Comment: This sequence change replaces arginine, which is basic and polar, with cysteine, which is neutral and slightly polar, at codon 525 of the SLX4 protein (p.Arg525Cys). This variant is present in population databases (rs143831403, gnomAD 0.01%). This variant has not been reported in the literature in individuals affected with SLX4-related conditions. Algorithms developed to predict the effect of missense changes on protein structure and function output the following: SIFT: "Tolerated"; PolyPhen-2: "Benign"; Align-GVGD: "Class C0". The cysteine amino acid residue is found in multiple mammalian species, which suggests that this missense change does not adversely affect protein function. In summary, the available evidence is currently insufficient to determine the role of this variant in disease. Therefore, it has been classified as a Variant of Uncertain Significance.